The following is an entry in ClinVar:

NM_004281.4(BAG3):c.952G>C (p.Glu318Gln)

Gene: BAG3 (BAG cochaperone 3; plus strand). Cytogenetic location: 10q26.11.
Variant type: single nucleotide variant.
Coding change: c.952G>C on transcript NM_004281.4 (MANE Select); coding-DNA position 952, G replaced by C.
Protein change: p.Glu318Gln; replaces glutamic acid 318 with glutamine.
Molecular consequence: missense variant.
Genome position (GRCh38, 1-based): chr10:119,676,506, G>C. VCF-style: chr10-119676506-G-C. GRCh37 (hg19) VCF-style: chr10-121436018-G-C.
Other names: short protein forms E318Q.
Identifiers: ClinVar variation 1767286 (VCV001767286.2), dbSNP rs1847236147, ClinGen allele CA378296330.

ClinVar aggregate classification (germline): Uncertain significance (1 of 4 stars; one submission).

Conditions:
Cardiovascular phenotype. Identifiers: MedGen CN230736.

Allele frequency attached by ClinVar (database versions not stated): gnomAD exomes below 0.00001.
gnomAD v4.1: 2 of 1,613,746 alleles (0.00012%); highest among the groups gnomAD compares: Non-Finnish European, 0.00017%; no homozygotes.

Submission:

Ambry Genetics
Classification: Uncertain significance for Cardiovascular phenotype. Last evaluated: 2021-07-30. Review status: criteria provided, single submitter. Criteria: Ambry Variant Classification Scheme 2023. Collection method: clinical testing. Allele origin: germline.
Comment: The p.E318Q variant (also known as c.952G>C), located in coding exon 4 of the BAG3 gene, results from a G to C substitution at nucleotide position 952. The glutamic acid at codon 318 is replaced by glutamine, an amino acid with highly similar properties. This amino acid position is conserved. In addition, this alteration is predicted to be tolerated by in silico analysis. Since supporting evidence is limited at this time, the clinical significance of this alteration remains unclear.